The following is an entry in ClinVar:

ClinVar aggregate classification (germline): Uncertain significance (1 of 4 stars; one submission).

Conditions:
Luscan-Lumish syndrome. Identifiers: Orphanet 597738, MedGen C4085873, MONDO:0014791, OMIM 616831.

Allele frequency attached by ClinVar (database versions not stated): gnomAD exomes 0.00001.
gnomAD v4.1: 17 of 1,551,712 alleles (0.0011%); highest among the groups gnomAD compares: Non-Finnish European, 0.0014%; no homozygotes.

Submission:

Labcorp Genetics (formerly Invitae), Labcorp
Classification: Uncertain significance for Luscan-Lumish syndrome. Last evaluated: 2022-08-07. Review status: criteria provided, single submitter. Criteria: Invitae Variant Classification Sherloc (09022015). Collection method: clinical testing. Allele origin: germline.
Comment: Algorithms developed to predict the effect of missense changes on protein structure and function output the following: SIFT: "Tolerated"; PolyPhen-2: "Benign"; Align-GVGD: "Class C0". The asparagine amino acid residue is found in multiple mammalian species, which suggests that this missense change does not adversely affect protein function. This variant has not been reported in the literature in individuals affected with SETD2-related conditions. This variant is not present in population databases (gnomAD no frequency). This sequence change replaces serine, which is neutral and polar, with asparagine, which is neutral and polar, at codon 437 of the SETD2 protein (p.Ser437Asn). In summary, the available evidence is currently insufficient to determine the role of this variant in disease. Therefore, it has been classified as a Variant of Uncertain Significance.

NM_014159.7(SETD2):c.1310G>A (p.Ser437Asn)

Gene: SETD2 (SET domain containing 2, histone lysine methyltransferase; minus strand). Cytogenetic location: 3p21.31.
Variant type: single nucleotide variant.
Coding change: c.1310G>A on transcript NM_014159.7 (MANE Select); coding-DNA position 1310, G replaced by A.
Protein change: p.Ser437Asn; replaces serine 437 with asparagine.
Molecular consequence: missense variant. On other transcripts: non-coding transcript variant (1).
Genome position (GRCh38, 1-based): chr3:47,123,326, C>T on the plus strand (G>A on the coding strand, the complement: SETD2 is on the minus strand). VCF-style: chr3-47123326-C-T. GRCh37 (hg19) VCF-style: chr3-47164816-C-T.
Other names: c.1178G>A, p.Ser393Asn (NM_001349370.3); short protein forms S393N, S437N.
Identifiers: ClinVar variation 2049645 (VCV002049645.4), dbSNP rs2106701102, ClinGen allele CA352531271.